The following is an entry in ClinVar:

ClinVar aggregate classification (germline): Benign. Review status: criteria provided, multiple submitters, no conflicts (2 of 4 stars). 2 submissions from 2 submitters: Benign (2). Last evaluated 2018-01-13.

Conditions:
Chondrodysplasia with joint dislocations, gPAPP type. Also called: GPAPP DEFICIENCY. Identifiers: Orphanet 280586, MedGen C3279757, MONDO:0013561, OMIM 614078.

Allele frequency attached by ClinVar (database versions not stated): gnomAD 0.13000 and 0.13012; TOPMed 0.13788; 1000 Genomes Project 0.15835; 1000 Genomes Project 30x 0.16068.

Submissions (2):

Illumina Laboratory Services, Illumina
Classification: Benign for Chondrodysplasia with joint dislocations, gPAPP type. Last evaluated: 2018-01-13. Review status: criteria provided, single submitter. Criteria: ICSL Variant Classification Criteria 13 December 2019. Collection method: clinical testing. Allele origin: germline.
Comment: This variant was observed in the ICSL laboratory as part of a predisposition screen in an ostensibly healthy population. It had not been previously curated by ICSL or reported in the Human Gene Mutation Database (HGMD: prior to June 1st, 2018), and was therefore a candidate for classification through an automated scoring system. Utilizing variant allele frequency, disease prevalence and penetrance estimates, and inheritance mode, an automated score was calculated to assess if this variant is too frequent to cause the disease. Based on the score and internal cut-off values, a variant classified as benign is not then subjected to further curation. The score for this variant resulted in a classification of benign for this disease.

Breakthrough Genomics
Classification: Benign. Review status: criteria provided, single submitter. Criteria: ACMG Guidelines, 2015. Collection method: not provided. Allele origin: germline. Inheritance: Autosomal recessive inheritance. Affected: yes.

NM_017813.5(BPNT2):c.*4890C>T

Gene: BPNT2 (3'(2'), 5'-bisphosphate nucleotidase 2; minus strand). Cytogenetic location: 8q12.1.
Variant type: single nucleotide variant.
Coding change: c.*4890C>T on transcript NM_017813.5 (MANE Select); 4890 bases downstream of the stop codon, C replaced by T.
Molecular consequence: 3 prime UTR variant.
Genome position (GRCh38, 1-based): chr8:56,958,903, G>A on the plus strand (C>T on the coding strand, the complement: BPNT2 is on the minus strand). VCF-style: chr8-56958903-G-A. GRCh37 (hg19) VCF-style: chr8-57871462-G-A.
Identifiers: ClinVar variation 363339 (VCV000363339.6), dbSNP rs1044731, ClinGen allele CA10625607.
Genomic context (GRCh38, chr8:56,958,903, plus strand): 5'-TGGAAATTAAAAAGTCCATAAACGTGCCCTCCTAACACGAGAATAAGAAAGGTGGCTGAA[G>A]TAGATAATTTCAGTGACGGAGGGGATGAAATATTTTTTGGTTAATTGATGTAATGATGAC-3'